The following is an entry in ClinVar:

ClinVar aggregate classification (germline): Uncertain significance. Review status: criteria provided, multiple submitters, no conflicts (2 of 4 stars). 2 submissions from 2 submitters: Uncertain significance (2). Last evaluated 2025-11-09.

Conditions:
Hypertrophic cardiomyopathy. Also called: HYPERTROPHIC MYOCARDIOPATHY. Identifiers: Orphanet 217569, MedGen C0007194, MeSH D002312, MONDO:0005045, HP:0001639.

Submissions (2):

Labcorp Genetics (formerly Invitae), Labcorp
Classification: Uncertain significance for Hypertrophic cardiomyopathy. Last evaluated: 2025-11-09. Review status: criteria provided, single submitter. Criteria: Invitae Variant Classification Sherloc (09022015). Collection method: clinical testing. Allele origin: germline.
Comment: This sequence change replaces tryptophan, which is neutral and slightly polar, with tyrosine, which is neutral and polar, at codon 818 of the MYBPC3 protein (p.Trp818Tyr). Information on the frequency of this variant in the gnomAD database is not available, as this variant may be reported differently in the database. This variant has not been reported in the literature in individuals affected with MYBPC3-related conditions. An algorithm developed to predict the effect of missense changes on protein structure and function (PolyPhen-2) suggests that this variant is likely to be disruptive. In summary, the available evidence is currently insufficient to determine the role of this variant in disease. Therefore, it has been classified as a Variant of Uncertain Significance.

GeneDx
Classification: Uncertain significance. Last evaluated: 2025-05-13. Review status: criteria provided, single submitter. Criteria: GeneDx Variant Classification Process June 2021. Collection method: clinical testing. Allele origin: germline. Affected: yes.
Comment: Not observed at significant frequency in large population cohorts (gnomAD); In silico analysis supports a deleterious effect on protein structure/function; Has not been previously published as pathogenic or benign to our knowledge

NM_000256.3(MYBPC3):c.2453_2454delinsAT (p.Trp818Tyr)

Gene: MYBPC3 (myosin binding protein C3; minus strand). Cytogenetic location: 11p11.2.
Variant type: Indel.
Coding change: c.2453_2454delinsAT on transcript NM_000256.3 (MANE Select); coding-DNA positions 2453 to 2454, GG replaced by AT.
Protein change: p.Trp818Tyr; replaces tryptophan 818 with tyrosine.
Molecular consequence: missense variant.
Genome position (GRCh38, 1-based): chr11:47,337,539-47,337,540, CC replaced by AT on the plus strand (GG replaced by AT on the coding strand, the reverse complement: MYBPC3 is on the minus strand). VCF-style: chr11-47337539-CC-AT. GRCh37 (hg19) VCF-style: chr11-47359090-CC-AT.
Other names: short protein forms W818Y.
Identifiers: ClinVar variation 4530020 (VCV004530020.2).